The following is an entry in ClinVar:

NM_003036.4(SKI):c.2185del (p.Ter729ArgextTer?)

Gene: SKI (SKI proto-oncogene; plus strand). Cytogenetic location: 1p36.32.
Variant type: Deletion.
Coding change: c.2185del on transcript NM_003036.4 (MANE Select); coding-DNA position 2185, one base deleted (T; older notation c.2185delT).
Protein change: p.Ter729ArgextTer?.
Molecular consequence: frameshift variant, stop lost.
Genome position (GRCh38, 1-based): chr1:2,306,763, T deleted. VCF-style (leftmost placement, unchanged base first): chr1-2306762-GT-G. GRCh37 (hg19) VCF-style: chr1-2238201-GT-G.
Other names: c.2185delT (NM_003036.3).
Identifiers: ClinVar variation 2892611 (VCV002892611.4), dbSNP rs2521525489, ClinGen allele CA2574221405.

ClinVar aggregate classification (germline): Uncertain significance. Review status: criteria provided, multiple submitters, no conflicts (2 of 4 stars). 2 submissions from 2 submitters: Uncertain significance (2). Last evaluated 2024-03-28.

Conditions:
Familial thoracic aortic aneurysm and aortic dissection (TAAD). Also called: Thoracic aortic aneurysms and dissections. Identifiers: Orphanet 91387, MedGen C4707243, MONDO:0019625.
Shprintzen-Goldberg syndrome (SGS). Also called: SHPRINTZEN-GOLDBERG CRANIOSYNOSTOSIS SYNDROME; CRANIOSYNOSTOSIS WITH ARACHNODACTYLY AND ABDOMINAL HERNIAS; Marfanoid disorder with craniosynostosis type 1; Marfanoid craniosynostosis syndrome; Shprintzen-Goldberg marfanoid syndrome. Identifiers: Orphanet 2462, MedGen C1321551, MONDO:0008426, OMIM 182212.

Allele frequency attached by ClinVar (database versions not stated): gnomAD exomes below 0.00001.

Submissions (2):

Ambry Genetics
Classification: Uncertain significance for Familial thoracic aortic aneurysm and aortic dissection. Last evaluated: 2024-03-28. Review status: criteria provided, single submitter. Criteria: Ambry Variant Classification Scheme 2023. Collection method: clinical testing. Allele origin: germline.
Comment: The c.2185delT variant (also known as c.*729Rext*47), located in coding exon 7 of the SKI gene, results from a deletion of one nucleotide at nucleotide position 2185. This alteration disrupts the stop codon of the SKI gene and is predicted to preserve the native sequence while resulting in the elongation of the protein by 47 amino acids. The exact functional effect of the additional amino acids is unknown. Based on the available evidence, the clinical significance of this alteration remains unclear.

Labcorp Genetics (formerly Invitae), Labcorp
Classification: Uncertain significance for Shprintzen-Goldberg syndrome. Last evaluated: 2024-01-01. Review status: criteria provided, single submitter. Criteria: Invitae Variant Classification Sherloc (09022015). Collection method: clinical testing. Allele origin: germline.
Comment: This sequence change disrupts the translational stop signal of the SKI mRNA. It is expected to extend the length of the SKI protein by 47 additional amino acid residues. This variant is not present in population databases (gnomAD no frequency). This variant has not been reported in the literature in individuals affected with SKI-related conditions. Experimental studies and prediction algorithms are not available or were not evaluated, and the functional significance of this variant is currently unknown. In summary, the available evidence is currently insufficient to determine the role of this variant in disease. Therefore, it has been classified as a Variant of Uncertain Significance.